The following is an entry in ClinVar:

NR_028089.1(NXF5):n.1507_1513del

Gene: NXF5 (nuclear RNA export factor 5; minus strand). Cytogenetic location: Xq22.1.
Variant type: Deletion.
Molecular consequence: non-coding transcript variant (on NR_028089.1).
Genome position: GRCh38 VCF-style: chrX-101836760-GAAGGTCC-G. GRCh37 (hg19) VCF-style: chrX-101091732-GAAGGTCC-G.
Identifiers: ClinVar variation 2661071 (VCV002661071.23), dbSNP rs747700855, ClinGen allele CA10474431.
Genomic context (GRCh38, chrX:101,836,760, plus strand): 5'-GGATGGGTGCTCCCACCCACAACATAGCACTAACCTGGAATTGCGGCCAGAGGTAGTGAT[GAAGGTCC>G]ACATGAAGGCAAGATCAGAACCCTGAGACCATCCTTCCACTTCAGAGACAACAAACACCA-3'

ClinVar aggregate classification (germline): Likely benign (1 of 4 stars; one submission).

Submission:

CeGaT Center for Human Genetics Tuebingen
Classification: Likely benign. Last evaluated: 2023-07-01. Review status: criteria provided, single submitter. Criteria: CeGaT Center For Human Genetics Tuebingen Variant Classification Criteria Version 2. Collection method: clinical testing. Allele origin: germline. Affected: yes. Observed: 1 variant allele.
Comment: ENSG00000290798: BS2; NXF5: BS2